The following is an entry in ClinVar:

ClinVar aggregate classification (germline): Uncertain significance. Review status: criteria provided, multiple submitters, no conflicts (2 of 4 stars). 2 submissions from 2 submitters: Uncertain significance (2). Last evaluated 2025-05-07.

Conditions:
Inborn genetic diseases. Identifiers: MedGen C0950123, MeSH D030342.

Submissions (2):

GeneDx
Classification: Uncertain significance. Last evaluated: 2025-05-07. Review status: criteria provided, single submitter. Criteria: GeneDx Variant Classification Process June 2021. Collection method: clinical testing. Allele origin: germline. Affected: yes.
Comment: Not observed at significant frequency in large population cohorts (gnomAD); In silico analysis suggests that this missense variant does not alter protein structure/function; Has not been previously published as pathogenic or benign to our knowledge

Ambry Genetics
Classification: Uncertain significance for Inborn genetic diseases. Last evaluated: 2020-12-19. Review status: criteria provided, single submitter. Criteria: Ambry Variant Classification Scheme 2023. Collection method: clinical testing. Allele origin: germline.

NM_006015.6(ARID1A):c.658A>C (p.Ser220Arg)

Genes: ARID1A (AT-rich interaction domain 1A; plus strand), LOC129929837 (ATAC-STARR-seq lymphoblastoid silent region 489; plus strand). Cytogenetic location: 1p36.11.
Variant type: single nucleotide variant.
Coding change: c.658A>C on transcript NM_006015.6 (MANE Select); coding-DNA position 658, A replaced by C.
Protein change: p.Ser220Arg; replaces serine 220 with arginine.
Molecular consequence: missense variant.
Genome position (GRCh38, 1-based): chr1:26,697,061, A>C. VCF-style: chr1-26697061-A-C. GRCh37 (hg19) VCF-style: chr1-27023552-A-C.
Other names: c.658A>C, p.Ser220Arg (NM_139135.4); short protein forms S220R.
Identifiers: ClinVar variation 2228572 (VCV002228572.3), dbSNP rs1420990560, ClinGen allele CA339265974.
Genomic context (GRCh38, chr1:26,697,061, plus strand): 5'-CAGAACTCTCACGACCACGGCTTCCCCAACCACCAGTACAACTCCTACTACCCCAACCGC[A>C]GCGCCTACCCCCCGCCCGCCCCGGCCTACGCGCTGAGCTCCCCGAGAGGTGGCACTCCGG-3'
Protein context (NP_006006.3, residues 210-230): HQYNSYYPNR[Ser220Arg]AYPPPAPAYA